The following is an entry in ClinVar:

NM_177924.5(ASAH1):c.303+53T>G

Gene: ASAH1 (N-acylsphingosine amidohydrolase 1; minus strand). Cytogenetic location: 8p22.
Variant type: single nucleotide variant.
Coding change: c.303+53T>G on transcript NM_177924.5 (MANE Select); 53 bases into the intron after coding-DNA position 303, T replaced by G.
Molecular consequence: intron variant.
Genome position (GRCh38, 1-based): chr8:18,069,739, A>C on the plus strand (T>G on the coding strand, the complement: ASAH1 is on the minus strand). VCF-style: chr8-18069739-A-C. GRCh37 (hg19) VCF-style: chr8-17927248-A-C.
Other names: NC_000008.10:g.17927248A>C; c.351+53T>G (NM_004315.6); c.285+1561T>G (NM_001127505.3); c.108+53T>G (NM_001363743.2).
Identifiers: ClinVar variation 678029 (VCV000678029.6), dbSNP rs4921567, ClinGen allele CA12716448.
Genomic context (GRCh38, chr8:18,069,739, plus strand): 5'-TCATGCAGATTTGCCCAAGTCCCTGCGAAGAGGTTGCTGAATTATGCCTTTAAATAAATA[A>C]CAGCGCATTTTCTATGTGCTTAACATTTATTGTGAGAAATAATATCTCTTACCAATTTTT-3'

ClinVar aggregate classification (germline): Benign. Review status: criteria provided, multiple submitters, no conflicts (2 of 4 stars). 4 submissions from 3 submitters: Benign (4). Last evaluated 2021-07-14.

Conditions:
Farber lipogranulomatosis (FRBRL). Also called: Farber's lipogranulomatosis; AC DEFICIENCY; ACID CERAMIDASE DEFICIENCY; CERAMIDASE DEFICIENCY; N-LAURYLSPHINGOSINE DEACYLASE DEFICIENCY; Farber's disease. Identifiers: Orphanet 333, MedGen C0268255, MONDO:0009218, OMIM 228000.
Spinal muscular atrophy-progressive myoclonic epilepsy syndrome. Also called: MYOCLONUS, HEREDITARY, WITH PROGRESSIVE DISTAL MUSCULAR ATROPHY; Hereditary myoclonus and progressive distal muscular atrophy; Spinal muscular atrophy with progressive myoclonic epilepsy; Spinal Muscular Atrophy with Progressive Myoclonic Epilepsy (SMA-PME). Identifiers: Orphanet 2590, MedGen C1834569, MONDO:0008045, OMIM 159950.

Allele frequency attached by ClinVar (database versions not stated): ESP Exome Variant Server 0.40473; 1000 Genomes Project 30x 0.42161; 1000 Genomes Project 0.42173; gnomAD 0.42485 and 0.42940; TOPMed 0.43527.
gnomAD v4.1: 569,380 of 1,268,522 alleles (45%); highest among the groups gnomAD compares: Admixed American, 61%; 131,533 homozygotes.

Submissions (5):

Genome-Nilou Lab
Classification: Benign for Farber lipogranulomatosis. Last evaluated: 2021-07-14. Review status: criteria provided, single submitter. Criteria: ACMG Guidelines, 2015. Collection method: clinical testing. Allele origin: germline. Affected: no.

Genome-Nilou Lab
Classification: Benign for Spinal muscular atrophy-progressive myoclonic epilepsy syndrome. Last evaluated: 2021-07-14. Review status: criteria provided, single submitter. Criteria: ACMG Guidelines, 2015. Collection method: clinical testing. Allele origin: germline. Affected: no.

GeneDx
Classification: Benign. Last evaluated: 2018-06-19. Review status: criteria provided, single submitter. Criteria: GeneDx Variant Classification (06012015). Collection method: clinical testing. Allele origin: germline. Affected: yes.
Comment: This variant is considered likely benign or benign based on one or more of the following criteria: it is a conservative change, it occurs at a poorly conserved position in the protein, it is predicted to be benign by multiple in silico algorithms, and/or has population frequency not consistent with disease.

Breakthrough Genomics
Classification: Benign. Review status: criteria provided, single submitter. Criteria: ACMG Guidelines, 2015. Collection method: not provided. Allele origin: germline. Inheritance: Autosomal recessive inheritance. Affected: yes.

Dr. Peter K. Rogan Lab, Western University
No classification provided (evidence only). Condition: Hepatocellular carcinoma. Review status: no classification provided. Collection method: in vitro. Allele origin: not applicable. Functional consequence: retained intron. Not counted in ClinVar's aggregate classification.